The following is an entry in ClinVar:

NM_153485.3(NUP155):c.2964C>T (p.Ala988=)

Gene: NUP155 (nucleoporin 155; minus strand). Cytogenetic location: 5p13.2.
Variant type: single nucleotide variant.
Coding change: c.2964C>T on transcript NM_153485.3 (MANE Select); coding-DNA position 2964, C replaced by T.
Protein change: p.Ala988=; no amino-acid change (alanine 988 retained).
Molecular consequence: synonymous variant.
Genome position (GRCh38, 1-based): chr5:37,305,150, G>A on the plus strand (C>T on the coding strand, the complement: NUP155 is on the minus strand). VCF-style: chr5-37305150-G-A. GRCh37 (hg19) VCF-style: chr5-37305252-G-A.
Other names: c.2772C>T, p.Ala924= (NM_001278312.2); c.2787C>T, p.Ala929= (NM_004298.4); c.2964C>T (NM_153485.2).
Identifiers: ClinVar variation 4970112 (VCV004970112.2).
Genomic context (GRCh38, chr5:37,305,150, plus strand): 5'-TGGATCAGATGACAACACTGGAGGACCAGGTTTTTTGGGTACACTGGGAGACTGAGGAGC[G>A]GCCTTACTTTGATTTACCAGTTCTTGAAGTGTGTCTGTAATGCATTTGTAACTGTTTAAT-3'
Protein context (NP_705618.1, residues 978-998): TLQELVNQSK[Ala988=]APQSPSVPKK

ClinVar aggregate classification (germline): Likely benign. Review status: criteria provided, multiple submitters, no conflicts (2 of 4 stars). 2 submissions from 2 submitters: Likely benign (2). Last evaluated 2026-09-17.

Conditions:
NUP155-related disorder. Also called: NUP155-related condition.

gnomAD v4.1: 79 of 1,613,462 alleles (0.0049%); highest among the groups gnomAD compares: East Asian, 0.027%; no homozygotes.

Submissions (2):

PreventionGenetics, part of Exact Sciences
Classification: Likely benign for NUP155-related condition. Last evaluated: 2026-09-17. Review status: criteria provided, single submitter. Criteria: ACMG Guidelines, 2015. Collection method: clinical testing. Allele origin: germline.
Comment: This variant is classified as likely benign based on ACMG/AMP sequence variant interpretation guidelines (Richards et al. 2015 PMID: 25741868, with internal and published modifications).

Blueprint Genetics
Classification: Likely benign. Last evaluated: 2024-08-08. Review status: criteria provided, single submitter. Criteria: ACMG Guidelines, 2015. Collection method: clinical testing. Allele origin: germline.